The following is an entry in ClinVar:

NM_015164.4(PLEKHM2):c.541C>T (p.Arg181Cys)

Gene: PLEKHM2 (pleckstrin homology and RUN domain containing M2; plus strand). Cytogenetic location: 1p36.21.
Variant type: single nucleotide variant.
Coding change: c.541C>T on transcript NM_015164.4 (MANE Select); coding-DNA position 541, C replaced by T.
Protein change: p.Arg181Cys; replaces arginine 181 with cysteine.
Molecular consequence: missense variant.
Genome position (GRCh38, 1-based): chr1:15,719,809, C>T. VCF-style: chr1-15719809-C-T. GRCh37 (hg19) VCF-style: chr1-16046304-C-T.
Other names: c.541C>T (NM_015164.2); short protein forms R181C.
Identifiers: ClinVar variation 1478747 (VCV001478747.9), dbSNP rs780487076, ClinGen allele CA616714.
Genomic context (GRCh38, chr1:15,719,809, plus strand): 5'-GACCTGGCCCCCTACATGCCCGACTACTACAAACCTCAGTACCTGCTGGACTTTGAAGAC[C>T]GCCTTCCCAGCTCGGTCCACGGCTCAGACAGTCTGTCCCTCAACTCTTTCAACTCCGTCA-3'
Protein context (NP_055979.2, residues 171-191): KPQYLLDFED[Arg181Cys]LPSSVHGSDS

ClinVar aggregate classification (germline): Uncertain significance. Review status: criteria provided, multiple submitters, no conflicts (2 of 4 stars). 2 submissions from 2 submitters: Uncertain significance (2). Last evaluated 2025-05-27.

Allele frequency attached by ClinVar (database versions not stated): gnomAD exomes 0.00002 and 0.00009; gnomAD 0.00007; TOPMed 0.00009; ExAC 0.00010.
gnomAD v4.1: 40 of 1,613,610 alleles (0.0025%); highest among the groups gnomAD compares: East Asian, 0.049%; no homozygotes.

Submissions (2):

Labcorp Genetics (formerly Invitae), Labcorp
Classification: Uncertain significance. Last evaluated: 2025-05-27. Review status: criteria provided, single submitter. Criteria: Invitae Variant Classification Sherloc (09022015). Collection method: clinical testing. Allele origin: germline.
Comment: This sequence change replaces arginine, which is basic and polar, with cysteine, which is neutral and slightly polar, at codon 181 of the PLEKHM2 protein (p.Arg181Cys). This variant is present in population databases (rs780487076, gnomAD 0.1%), and has an allele count higher than expected for a pathogenic variant. This variant has not been reported in the literature in individuals affected with PLEKHM2-related conditions. ClinVar contains an entry for this variant (Variation ID: 1478747). An algorithm developed to predict the effect of missense changes on protein structure and function (PolyPhen-2) suggests that this variant is likely to be tolerated. In summary, the available evidence is currently insufficient to determine the role of this variant in disease. Therefore, it has been classified as a Variant of Uncertain Significance.

Ambry Genetics
Classification: Uncertain significance. Last evaluated: 2024-01-24. Review status: criteria provided, single submitter. Criteria: Ambry Variant Classification Scheme 2023. Collection method: clinical testing. Allele origin: germline.